The following is an entry in ClinVar:

NM_006618.5(KDM5B):c.1708C>T (p.Arg570Ter)

Gene: KDM5B (lysine demethylase 5B; minus strand). Cytogenetic location: 1q32.1.
Variant type: single nucleotide variant.
Coding change: c.1708C>T on transcript NM_006618.5 (MANE Select); coding-DNA position 1708, C replaced by T.
Protein change: p.Arg570Ter; replaces arginine 570 with a stop codon.
Molecular consequence: nonsense.
Genome position (GRCh38, 1-based): chr1:202,750,772, G>A on the plus strand (C>T on the coding strand, the complement: KDM5B is on the minus strand). VCF-style: chr1-202750772-G-A. GRCh37 (hg19) VCF-style: chr1-202719900-G-A.
Other names: c.1816C>T, p.Arg606Ter (NM_001314042.2); c.1573C>T, p.Arg525Ter (NM_001347591.2); c.1693C>T, p.Arg565Ter (NM_001399817.1); short protein forms R525*, R565*, R570*, R606*.
Identifiers: ClinVar variation 1803645 (VCV001803645.3), dbSNP rs367833330, ClinGen allele CA1334640.

ClinVar aggregate classification (germline): Pathogenic/Likely pathogenic. Review status: criteria provided, multiple submitters, no conflicts (2 of 4 stars). 2 submissions from 2 submitters: Pathogenic (1); Likely pathogenic (1). Last evaluated 2026-07-08.

Conditions:
Intellectual developmental disorder, autosomal recessive 65. Also called: Intellectual disability, autosomal recessive 65; MENTAL RETARDATION, AUTOSOMAL RECESSIVE 65. Identifiers: MedGen C4748219, MONDO:0020850, OMIM 618109.

Allele frequency attached by ClinVar (database versions not stated): gnomAD 0.00001; ExAC 0.00001; gnomAD exomes 0.00001; TOPMed 0.00001; ESP Exome Variant Server 0.00008.
gnomAD v4.1: 11 of 1,612,442 alleles (0.00068%); highest among the groups gnomAD compares: East Asian, 0.0022%; no homozygotes.

Submissions (2):

GeneDx
Classification: Likely pathogenic. Last evaluated: 2026-07-08. Review status: criteria provided, single submitter. Criteria: GeneDx Variant Classification Process June 2021. Collection method: clinical testing. Allele origin: germline.
Comment: Reported as a de novo, heterozygous variant in individuals with autism and/or neurodevelopmental delays in published literature (PMID: 28344757, 36350923, 40657596); Nonsense variant predicted to result in protein truncation or nonsense mediated decay in a gene for which loss of function is a known mechanism of disease; Not observed at significant frequency in large population cohorts (gnomAD); This variant is associated with the following publications: (PMID: 35982160, 33057194, 35982159, 36350923, 28344757, 39202393, 40657596)

Women's Health and Genetics/Laboratory Corporation of America, LabCorp
Classification: Pathogenic for Intellectual developmental disorder, autosomal recessive 65. Last evaluated: 2025-07-18. Review status: criteria provided, single submitter. Criteria: LabCorp Variant Classification Summary - May 2015. Collection method: clinical testing. Allele origin: germline.
Comment: Variant summary: KDM5B c.1708C>T (p.Arg570X) results in a premature termination codon, predicted to cause a truncation of the encoded protein or absence of the protein due to nonsense mediated decay, which are commonly known mechanisms for disease. The variant allele was found at a frequency of 8e-06 in 250102 control chromosomes. While this gene is most often associated with autosomal recessive intellectual disability, de novo loss-of-function variants have been associated with an autosomal dominant phenotype. c.1708C>T has been observed as de novo with no second variant documented in individuals with speech delay, dysmorphic features, and developmental disorders (e.g., Kaplanis_2020, Borroto_2024). To our knowledge, no experimental evidence demonstrating an impact on protein function has been reported. The following publications have been ascertained in the context of this evaluation (PMID: 33057194, 39202393). ClinVar contains an entry for this variant (Variation ID: 1803645). Based on the evidence outlined above, the variant was classified as pathogenic for autosomal dominant and autosomal recessive intellectual disability.

Literature cited by the submitters: PubMed 33057194 (cited by Women's Health and Genetics/Laboratory Corporation of America, LabCorp); PubMed 39202393 (cited by Women's Health and Genetics/Laboratory Corporation of America, LabCorp).